The following is an entry in ClinVar:

ClinVar aggregate classification (germline): Uncertain significance. Review status: criteria provided, multiple submitters, no conflicts (2 of 4 stars). 2 submissions from 2 submitters: Uncertain significance (2). Last evaluated 2024-10-13.

Conditions:
Tyrosinemia type I (TYRSN1). Also called: Tyrosinemia type 1; Fumarylacetoacetase deficiency; Deficiency of fumarylacetoacetase; HEPATORENAL TYROSINEMIA; FAH DEFICIENCY. Identifiers: Orphanet 882, MedGen C0268490, MONDO:0010161, OMIM 276700. Disease mechanism: loss of function.

gnomAD v4.1: 39 of 1,612,382 alleles (0.0024%); highest among the groups gnomAD compares: Non-Finnish European, 0.0032%; no homozygotes.

Submissions (2):

Labcorp Genetics (formerly Invitae), Labcorp
Classification: Uncertain significance for Tyrosinemia type I. Last evaluated: 2024-10-13. Review status: criteria provided, single submitter. Criteria: Invitae Variant Classification Sherloc (09022015). Collection method: clinical testing. Allele origin: germline.
Comment: This sequence change replaces proline, which is neutral and non-polar, with alanine, which is neutral and non-polar, at codon 28 of the FAH protein (p.Pro28Ala). This variant is present in population databases (rs746299576, gnomAD 0.002%). This variant has not been reported in the literature in individuals affected with FAH-related conditions. An algorithm developed to predict the effect of missense changes on protein structure and function (PolyPhen-2) suggests that this variant¬†is likely to be tolerated. In summary, the available evidence is currently insufficient to determine the role of this variant in disease. Therefore, it has been classified as a Variant of Uncertain Significance.

Fulgent Genetics
Classification: Uncertain significance for Tyrosinemia type I. Last evaluated: 2024-01-15. Review status: criteria provided, single submitter. Criteria: ACMG Guidelines, 2015. Collection method: clinical testing. Allele origin: germline.

NM_000137.4(FAH):c.82C>G (p.Pro28Ala)

Gene: FAH (fumarylacetoacetate hydrolase; plus strand). Cytogenetic location: 15q25.1.
Variant type: single nucleotide variant.
Coding change: c.82C>G on transcript NM_000137.4 (MANE Select); coding-DNA position 82, C replaced by G.
Protein change: p.Pro28Ala; replaces proline 28 with alanine.
Molecular consequence: missense variant.
Genome position (GRCh38, 1-based): chr15:80,158,060, C>G. VCF-style: chr15-80158060-C-G. GRCh37 (hg19) VCF-style: chr15-80450402-C-G.
Other names: c.82C>G, p.Pro28Ala (NM_001374377.1, NM_001374380.1); short protein forms P28A.
Identifiers: ClinVar variation 3577782 (VCV003577782.2).